The following is an entry in ClinVar:

ClinVar aggregate classification (germline): Uncertain significance (1 of 4 stars; one submission).

Submission:

GeneDx
Classification: Uncertain significance. Last evaluated: 2026-10-08. Review status: criteria provided, single submitter. Criteria: GeneDx Variant Classification Process June 2021. Collection method: clinical testing. Allele origin: germline.
Comment: Not observed at significant frequency in large population cohorts (gnomAD); In-frame deletion of 1 amino acids in a non-repeat region; In silico analysis supports a deleterious effect on protein structure/function; Has not been previously published as pathogenic or benign to our knowledge

NM_001744.6(CAMK4):c.368GAG[1] (p.Gly124del)

Gene: CAMK4 (calcium/calmodulin dependent protein kinase IV; plus strand). Cytogenetic location: 5q22.1.
Variant type: Microsatellite.
Coding change: c.368GAG[1] on transcript NM_001744.6 (MANE Select); one copy of the 3-base unit GAG starting at c.368; the reference has two copies in a row; one copy, 3 bases deleted.
Protein change: p.Gly124del; deletes glycine 124.
Molecular consequence: intron variant (on NM_001323377.2).
Genome position (GRCh38, 1-based): chr5:111,376,927-111,376,929, GAG deleted; deleting any 3 consecutive bases within chr5:111,376,922-111,376,929 gives the same sequence; the position shown is the placement nearest the transcript's 3' end. VCF-style (leftmost placement, unchanged base first): chr5-111376921-CAGG-C. GRCh37 (hg19) VCF-style: chr5-110712619-CAGG-C.
Other names: c.368GAG[1], p.Gly124del (NM_001323374.2, NM_001323375.2); c.-206+2015_-206+2017del (NM_001323377.2); c.-205-17783_-205-17781del (NM_001323376.2); short protein forms G124del.
Identifiers: ClinVar variation 3766346 (VCV003766346.2).